The following is an entry in ClinVar:

ClinVar aggregate classification (germline): Uncertain significance (1 of 4 stars; one submission).

gnomAD v4.1: 1 of 1,591,570 alleles (0.000063%); highest among the groups gnomAD compares: Non-Finnish European, 0.000086%; no homozygotes.

Submission:

Labcorp Genetics (formerly Invitae), Labcorp
Classification: Uncertain significance. Last evaluated: 2025-12-03. Review status: criteria provided, single submitter. Criteria: Invitae Variant Classification Sherloc (09022015). Collection method: clinical testing. Allele origin: germline.
Comment: This sequence change replaces alanine, which is neutral and non-polar, with valine, which is neutral and non-polar, at codon 23 of the ZHX3 protein (p.Ala23Val). This variant is not present in population databases (gnomAD no frequency). This variant has not been reported in the literature in individuals affected with ZHX3-related conditions. An algorithm developed to predict the effect of missense changes on protein structure and function (PolyPhen-2) suggests that this variant is likely to be tolerated. In summary, the available evidence is currently insufficient to determine the role of this variant in disease. Therefore, it has been classified as a Variant of Uncertain Significance.

NM_001384317.1(ZHX3):c.68C>T (p.Ala23Val)

Gene: ZHX3 (zinc fingers and homeoboxes 3; minus strand). Cytogenetic location: 20q12.
Variant type: single nucleotide variant.
Coding change: c.68C>T on transcript NM_001384317.1 (MANE Select); coding-DNA position 68, C replaced by T.
Protein change: p.Ala23Val; replaces alanine 23 with valine.
Molecular consequence: missense variant.
Genome position (GRCh38, 1-based): chr20:41,204,849, G>A on the plus strand (C>T on the coding strand, the complement: ZHX3 is on the minus strand). VCF-style: chr20-41204849-G-A. GRCh37 (hg19) VCF-style: chr20-39833489-G-A.
Other names: c.68C>T, p.Ala23Val (NM_001384315.1, NM_001384316.1, NM_001384318.1 and 8 more transcripts); short protein forms A23V.
Identifiers: ClinVar variation 4699183 (VCV004699183.1).
Genomic context (GRCh38, chr20:41,204,849, plus strand): 5'-GGGGGCAGATCCTGCTGGGGTCCTTCAGGCAAGGTCTCAGCGGGCTGGGCCTCCATGCTG[G>A]CATCTTGCAACACCACAGTCTTCACTGGGATCATGCATGGTGTGGTGGATTTCCTCTTGC-3'
Protein context (NP_001371246.1, residues 13-33): IPVKTVVLQD[Ala23Val]SMEAQPAETL